The following is an entry in ClinVar:

NM_001136193.2(FASTKD2):c.-184C>T

Genes: FASTKD2 (FAST kinase domains 2; plus strand), LOC129935479 (ATAC-STARR-seq lymphoblastoid active region 17028; plus strand). Cytogenetic location: 2q33.3.
Variant type: single nucleotide variant.
Coding change: c.-184C>T on transcript NM_001136193.2 (MANE Select); 184 bases upstream of the start codon, C replaced by T.
Molecular consequence: 5 prime UTR variant.
Genome position (GRCh38, 1-based): chr2:206,765,614, C>T. VCF-style: chr2-206765614-C-T. GRCh37 (hg19) VCF-style: chr2-207630338-C-T.
Other names: c.-199C>T (NM_001136194.2); c.-91C>T (NM_014929.4).
Identifiers: ClinVar variation 333794 (VCV000333794.7), dbSNP rs3762567, ClinGen allele CA10612597.

ClinVar aggregate classification (germline): Benign. Review status: criteria provided, multiple submitters, no conflicts (2 of 4 stars). 3 submissions from 3 submitters: Benign (3). Last evaluated 2018-06-29.

Conditions:
Mitochondrial complex IV deficiency, nuclear type 1 (MC4DN1). Also called: COX DEFICIENCY; Mitochondrial complex IV deficiency; Complex 4 mitochondrial respiratory chain deficiency; Deficiency of mitochondrial respiratory chain complex4; Complex IV deficiency. Identifiers: MedGen C5435656, MONDO:0700250, OMIM 220110. Disease mechanism: loss of function.

Allele frequency attached by ClinVar (database versions not stated): 1000 Genomes Project 30x 0.10681; 1000 Genomes Project 0.11042; TOPMed 0.11623; gnomAD 0.12134 and 0.12296; gnomAD exomes 0.17815.
gnomAD v4.1: 150,100 of 891,742 alleles (17%); highest among the groups gnomAD compares: Non-Finnish European, 18%; 13,178 homozygotes.

Submissions (3):

GeneDx
Classification: Benign. Last evaluated: 2018-06-29. Review status: criteria provided, single submitter. Criteria: GeneDx Variant Classification Process June 2021. Collection method: clinical testing. Allele origin: germline. Affected: yes.

Illumina Laboratory Services, Illumina
Classification: Benign for Mitochondrial complex IV deficiency, nuclear type 1. Last evaluated: 2018-01-13. Review status: criteria provided, single submitter. Criteria: ICSL Variant Classification Criteria 13 December 2019. Collection method: clinical testing. Allele origin: germline.
Comment: This variant was observed in the ICSL laboratory as part of a predisposition screen in an ostensibly healthy population. It had not been previously curated by ICSL or reported in the Human Gene Mutation Database (HGMD: prior to June 1st, 2018), and was therefore a candidate for classification through an automated scoring system. Utilizing variant allele frequency, disease prevalence and penetrance estimates, and inheritance mode, an automated score was calculated to assess if this variant is too frequent to cause the disease. Based on the score and internal cut-off values, a variant classified as benign is not then subjected to further curation. The score for this variant resulted in a classification of benign for this disease.

Breakthrough Genomics
Classification: Benign. Review status: criteria provided, single submitter. Criteria: ACMG Guidelines, 2015. Collection method: not provided. Allele origin: germline. Inheritance: Autosomal recessive inheritance. Affected: yes.